The following is an entry in ClinVar:

ClinVar aggregate classification (germline): Pathogenic (1 of 4 stars; one submission).

Conditions:
Autosomal dominant optic atrophy classic form (OPA1). Also called: OPTIC ATROPHY, JUVENILE; Optic Atrophy Type 1; KJER-TYPE OPTIC ATROPHY. Identifiers: Orphanet 98673, MedGen C0338508, MONDO:0008134, OMIM 165500.

Submission:

Laboratory of Medical Genetics, National & Kapodistrian University of Athens
Classification: Pathogenic for Autosomal dominant optic atrophy classic form. Last evaluated: 2022-06-28. Review status: criteria provided, single submitter. Criteria: ACMG Guidelines, 2015. Collection method: clinical testing. Allele origin: germline. Affected: yes.
Comment: PVS1, PM2, PP4

NM_130837.3(OPA1):c.1606_1608+10delinsCAGTCCACAAATCT

Gene: OPA1 (OPA1 mitochondrial dynamin like GTPase; plus strand). Cytogenetic location: 3q29.
Variant type: Indel.
Coding change: c.1606_1608+10delinsCAGTCCACAAATCT on transcript NM_130837.3 (MANE Select); coding-DNA position 1606 through 10 bases into the intron after coding-DNA position 1608, AGGGTGAGGTCAA replaced by CAGTCCACAAATCT.
Molecular consequence: splice donor variant.
Genome position (GRCh38, 1-based): chr3:193,644,103-193,644,115, AGGGTGAGGTCAA replaced by CAGTCCACAAATCT. VCF-style: chr3-193644103-AGGGTGAGGTCAA-CAGTCCACAAATCT. GRCh37 (hg19) VCF-style: chr3-193361892-AGGGTGAGGTCAA-CAGTCCACAAATCT.
Other names: c.1069_1071+10delinsCAGTCCACAAATCT (NM_001354664.2); c.1072_1074+10delinsCAGTCCACAAATCT (NM_001354663.2); c.1495_1497+10delinsCAGTCCACAAATCT (NM_130834.3); c.1552_1554+10delinsCAGTCCACAAATCT (NM_130836.3); c.1441_1443+10delinsCAGTCCACAAATCT (NM_015560.3); c.1498_1500+10delinsCAGTCCACAAATCT (NM_130835.3); c.1387_1389+10delinsCAGTCCACAAATCT (NM_130832.3); c.1444_1446+10delinsCAGTCCACAAATCT (NM_130833.3); and 1 more.
Identifiers: ClinVar variation 1708159 (VCV001708159.1), dbSNP rs2474882050, ClinGen allele CA2580070576.